The following is an entry in ClinVar:

ClinVar aggregate classification (germline): Benign. Review status: criteria provided, multiple submitters, no conflicts (2 of 4 stars). 7 submissions from 7 submitters: Benign (5). 2 of the submissions do not count toward it. Last evaluated 2026-02-04.

Conditions:
Jeune thoracic dystrophy. Also called: Jeune syndrome; Infantile thoracic dystrophy; Thoracic pelvic phalangeal dystrophy; Jeune's syndrome; Chondroectodermal dysplasia-like syndrome; Short-rib thoracic dysplasia. Identifiers: Orphanet 474, MedGen C0265275, MONDO:0018770.
Asphyxiating thoracic dystrophy 2 (SRTD2). Also called: SHORT-RIB THORACIC DYSPLASIA 2 WITH OR WITHOUT POLYDACTYLY; SHORT-RIB THORACIC DYSPLASIA 2 WITH POLYDACTYLY; SHORT-RIB THORACIC DYSPLASIA 2 WITHOUT POLYDACTYLY. Identifiers: Orphanet 474, MedGen C1970005, MONDO:0012644, OMIM 611263.

Allele frequency attached by ClinVar (database versions not stated): gnomAD exomes 0.22415 and 0.23900; ExAC 0.23112; 1000 Genomes Project 0.26138; 1000 Genomes Project 30x 0.26686; gnomAD 0.30432 and 0.31629; TOPMed 0.30785; ESP Exome Variant Server 0.32685.
gnomAD v4.1: 395,750 of 1,612,056 alleles (25%); highest among the groups gnomAD compares: African/African-American, 49%; 52,736 homozygotes.

Submissions (7):

Labcorp Genetics (formerly Invitae), Labcorp
Classification: Benign for Jeune thoracic dystrophy. Last evaluated: 2026-02-04. Review status: criteria provided, single submitter. Criteria: Invitae Variant Classification Sherloc (09022015). Collection method: clinical testing. Allele origin: germline.

Mayo Clinic Laboratories, Mayo Clinic
Classification: Benign. Last evaluated: 2022-03-09. Review status: criteria provided, single submitter. Criteria: ACMG Guidelines, 2015. Collection method: clinical testing. Allele origin: germline. Observed: 32 variant alleles.

Illumina Laboratory Services, Illumina
Classification: Benign for Asphyxiating thoracic dystrophy 2. Last evaluated: 2018-01-12. Review status: criteria provided, single submitter. Criteria: ICSL Variant Classification Criteria 13 December 2019. Collection method: clinical testing. Allele origin: germline.
Comment: This variant was observed in the ICSL laboratory as part of a predisposition screen in an ostensibly healthy population. It had not been previously curated by ICSL or reported in the Human Gene Mutation Database (HGMD: prior to June 1st, 2018), and was therefore a candidate for classification through an automated scoring system. Utilizing variant allele frequency, disease prevalence and penetrance estimates, and inheritance mode, an automated score was calculated to assess if this variant is too frequent to cause the disease. Based on the score and internal cut-off values, a variant classified as benign is not then subjected to further curation. The score for this variant resulted in a classification of benign for this disease.

GeneDx
Classification: Benign. Last evaluated: 2017-09-13. Review status: criteria provided, single submitter. Criteria: GeneDx Variant Classification (06012015). Collection method: clinical testing. Allele origin: germline. Affected: yes.
Comment: This variant is considered likely benign or benign based on one or more of the following criteria: it is a conservative change, it occurs at a poorly conserved position in the protein, it is predicted to be benign by multiple in silico algorithms, and/or has population frequency not consistent with disease.

Breakthrough Genomics
Classification: Benign. Review status: criteria provided, single submitter. Criteria: ACMG Guidelines, 2015. Collection method: not provided. Allele origin: germline. Inheritance: Autosomal recessive inheritance. Affected: yes.

Clinical Genetics DNA and cytogenetics Diagnostics Lab, Erasmus MC, Erasmus Medical Center
Classification: Benign. Review status: no assertion criteria provided. Collection method: clinical testing. Allele origin: germline. Affected: yes. Study: VKGL Data-share Consensus. Not counted in ClinVar's aggregate classification.

Joint Genome Diagnostic Labs from Nijmegen and Maastricht, Radboudumc and MUMC+
Classification: Benign. Review status: no assertion criteria provided. Collection method: clinical testing. Allele origin: germline. Affected: yes. Study: VKGL Data-share Consensus. Not counted in ClinVar's aggregate classification.

NM_020800.3(IFT80):c.1756A>T (p.Thr586Ser)

Genes: TRIM59-IFT80 (TRIM59-IFT80 readthrough (NMD candidate); minus strand), IFT80 (intraflagellar transport 80; minus strand). Cytogenetic location: 3q25.33.
Variant type: single nucleotide variant.
Coding change: c.1756A>T on transcript NM_020800.3 (MANE Select); coding-DNA position 1756, A replaced by T.
Protein change: p.Thr586Ser; replaces threonine 586 with serine.
Molecular consequence: missense variant. On other transcripts: non-coding transcript variant (3).
Genome position (GRCh38, 1-based): chr3:160,279,273, T>A on the plus strand (A>T on the coding strand, the complement: IFT80 is on the minus strand). VCF-style: chr3-160279273-T-A. GRCh37 (hg19) VCF-style: chr3-159997061-T-A.
Other names: c.1345A>T, p.Thr449Ser (NM_001190241.2, NM_001190242.2); short protein forms T586S, T449S.
Identifiers: ClinVar variation 343966 (VCV000343966.20), dbSNP rs6778728, ClinGen allele CA2685060.